The following is an entry in ClinVar:

NM_004186.5(SEMA3F):c.1560C>T (p.Val520=)

Gene: SEMA3F (semaphorin 3F; plus strand). Cytogenetic location: 3p21.31.
Variant type: single nucleotide variant.
Coding change: c.1560C>T on transcript NM_004186.5 (MANE Select); coding-DNA position 1560, C replaced by T.
Protein change: p.Val520=; no amino-acid change (valine 520 retained).
Molecular consequence: synonymous variant.
Genome position (GRCh38, 1-based): chr3:50,185,680, C>T. VCF-style: chr3-50185680-C-T. GRCh37 (hg19) VCF-style: chr3-50223113-C-T.
Other names: c.1263C>T, p.Val421= (NM_001318798.2); c.1467C>T, p.Val489= (NM_001318800.2).
Identifiers: ClinVar variation 3036619 (VCV003036619.2), dbSNP rs372740024, ClinGen allele CA2412157.

ClinVar aggregate classification (germline): Likely benign (0 of 4 stars; one submission).

Conditions:
SEMA3F-related disorder. Also called: SEMA3F-related condition.

Allele frequency attached by ClinVar (database versions not stated): ExAC 0.00001; TOPMed 0.00002; ESP Exome Variant Server 0.00008.
gnomAD v4.1: 81 of 1,614,182 alleles (0.005%); highest among the groups gnomAD compares: Non-Finnish European, 0.0068%; no homozygotes.

Submission:

PreventionGenetics, part of Exact Sciences
Classification: Likely benign for SEMA3F-related condition. Last evaluated: 2023-10-16. Review status: no assertion criteria provided. Collection method: clinical testing. Allele origin: germline.
Comment: This variant is classified as likely benign based on ACMG/AMP sequence variant interpretation guidelines (Richards et al. 2015 PMID: 25741868, with internal and published modifications).